The following is an entry in ClinVar:

NM_000785.4(CYP27B1):c.43G>A (p.Val15Ile)

Gene: CYP27B1 (cytochrome P450 family 27 subfamily B member 1; minus strand). Cytogenetic location: 12q14.1.
Variant type: single nucleotide variant.
Coding change: c.43G>A on transcript NM_000785.4 (MANE Select); coding-DNA position 43, G replaced by A.
Protein change: p.Val15Ile; replaces valine 15 with isoleucine.
Molecular consequence: missense variant.
Genome position (GRCh38, 1-based): chr12:57,766,999, C>T on the plus strand (G>A on the coding strand, the complement: CYP27B1 is on the minus strand). VCF-style: chr12-57766999-C-T. GRCh37 (hg19) VCF-style: chr12-58160782-C-T.
Other names: short protein forms V15I.
Identifiers: ClinVar variation 1900984 (VCV001900984.4), dbSNP rs202028173, ClinGen allele CA6658558.

ClinVar aggregate classification (germline): Uncertain significance. Review status: criteria provided, multiple submitters, no conflicts (2 of 4 stars). 2 submissions from 2 submitters: Uncertain significance (2). Last evaluated 2025-01-27.

Conditions:
Vitamin D-dependent rickets, type 1A. Also called: VITAMIN D HYDROXYLATION-DEFICIENT RICKETS, TYPE 1A; PDDR IA; PSEUDOVITAMIN D-DEFICIENCY RICKETS, TYPE IA. Identifiers: MedGen CN283242, MONDO:0020723, OMIM 264700.

Allele frequency attached by ClinVar (database versions not stated): ExAC 0.00001; gnomAD 0.00001; 1000 Genomes Project 30x 0.00031; 1000 Genomes Project 0.00040.
gnomAD v4.1: 8 of 1,614,194 alleles (0.0005%); highest among the groups gnomAD compares: East Asian, 0.0067%; no homozygotes.

Submissions (2):

Labcorp Genetics (formerly Invitae), Labcorp
Classification: Uncertain significance. Last evaluated: 2025-01-27. Review status: criteria provided, single submitter. Criteria: Invitae Variant Classification Sherloc (09022015). Collection method: clinical testing. Allele origin: germline.
Comment: This sequence change replaces valine, which is neutral and non-polar, with isoleucine, which is neutral and non-polar, at codon 15 of the CYP27B1 protein (p.Val15Ile). This variant is present in population databases (rs202028173, gnomAD 0.006%). This variant has not been reported in the literature in individuals affected with CYP27B1-related conditions. ClinVar contains an entry for this variant (Variation ID: 1900984). An algorithm developed to predict the effect of missense changes on protein structure and function outputs the following: PolyPhen-2: "Benign". The isoleucine amino acid residue is found in multiple mammalian species, which suggests that this missense change does not adversely affect protein function. In summary, the available evidence is currently insufficient to determine the role of this variant in disease. Therefore, it has been classified as a Variant of Uncertain Significance.

Fulgent Genetics
Classification: Uncertain significance for Vitamin D-dependent rickets, type 1A. Last evaluated: 2024-02-26. Review status: criteria provided, single submitter. Criteria: ACMG Guidelines, 2015. Collection method: clinical testing. Allele origin: germline.